The following is an entry in ClinVar:

NM_001375808.2(LPIN2):c.2612C>T (p.Ala871Val)

Gene: LPIN2 (lipin 2; minus strand). Cytogenetic location: 18p11.31.
Variant type: single nucleotide variant.
Coding change: c.2612C>T on transcript NM_001375808.2 (MANE Select); coding-DNA position 2612, C replaced by T.
Protein change: p.Ala871Val; replaces alanine 871 with valine.
Molecular consequence: missense variant.
Genome position (GRCh38, 1-based): chr18:2,920,372, G>A on the plus strand (C>T on the coding strand, the complement: LPIN2 is on the minus strand). VCF-style: chr18-2920372-G-A. GRCh37 (hg19) VCF-style: chr18-2920370-G-A.
Other names: c.2612C>T, p.Ala871Val (NM_001375809.1, NM_014646.2); short protein forms A871V.
Identifiers: ClinVar variation 1044385 (VCV001044385.9), dbSNP rs1210159824, ClinGen allele CA401693847.

ClinVar aggregate classification (germline): Uncertain significance (1 of 4 stars; one submission).

Conditions:
Majeed syndrome (MJDS). Also called: CHRONIC RECURRENT MULTIFOCAL OSTEOMYELITIS 1, WITH CONGENITAL DYSERYTHROPOIETIC ANEMIA, WITH OR WITHOUT NEUTROPHILIC DERMATOSIS; LPIN2-Related Majeed Syndrome. Identifiers: Orphanet 77297, MedGen C1864997, MONDO:0012316, OMIM 609628.

Allele frequency attached by ClinVar (database versions not stated): TOPMed below 0.00001; gnomAD 0.00001.
gnomAD v4.1: 1 of 1,613,974 alleles (0.000062%); highest among the groups gnomAD compares: Non-Finnish European, 0.000085%; no homozygotes.

Submission:

Labcorp Genetics (formerly Invitae), Labcorp
Classification: Uncertain significance for Majeed syndrome. Last evaluated: 2020-08-14. Review status: criteria provided, single submitter. Criteria: Invitae Variant Classification Sherloc (09022015). Collection method: clinical testing. Allele origin: germline.
Comment: In summary, the available evidence is currently insufficient to determine the role of this variant in disease. Therefore, it has been classified as a Variant of Uncertain Significance. Algorithms developed to predict the effect of missense changes on protein structure and function are either unavailable or do not agree on the potential impact of this missense change (SIFT: "Tolerated"; PolyPhen-2: "Possibly Damaging"; Align-GVGD: "Class C0"). This variant has not been reported in the literature in individuals with LPIN2-related conditions. This variant is not present in population databases (ExAC no frequency). This sequence change replaces alanine with valine at codon 871 of the LPIN2 protein (p.Ala871Val). The alanine residue is moderately conserved and there is a small physicochemical difference between alanine and valine.